The following is an entry in ClinVar:

ClinVar aggregate classification (germline): Uncertain significance (1 of 4 stars; one submission).

Submission:

Labcorp Genetics (formerly Invitae), Labcorp
Classification: Uncertain significance. Last evaluated: 2025-12-08. Review status: criteria provided, single submitter. Criteria: Invitae Variant Classification Sherloc (09022015). Collection method: clinical testing. Allele origin: germline.
Comment: This sequence change replaces glutamic acid, which is acidic and polar, with glutamine, which is neutral and polar, at codon 14 of the GNAT1 protein (p.Glu14Gln). This variant is not present in population databases (gnomAD no frequency). This variant has not been reported in the literature in individuals affected with GNAT1-related conditions. Invitae Evidence Modeling of protein sequence and biophysical properties (such as structural, functional, and spatial information, amino acid conservation, physicochemical variation, residue mobility, and thermodynamic stability) indicates that this missense variant is not expected to disrupt GNAT1 protein function with a negative predictive value of 80%. In summary, the available evidence is currently insufficient to determine the role of this variant in disease. Therefore, it has been classified as a Variant of Uncertain Significance.

NM_144499.3(GNAT1):c.40G>C (p.Glu14Gln)

Gene: GNAT1 (G protein subunit alpha transducin 1; plus strand). Cytogenetic location: 3p21.31.
Variant type: single nucleotide variant.
Coding change: c.40G>C on transcript NM_144499.3 (MANE Select); coding-DNA position 40, G replaced by C.
Protein change: p.Glu14Gln; replaces glutamic acid 14 with glutamine.
Molecular consequence: missense variant.
Genome position (GRCh38, 1-based): chr3:50,191,765, G>C. VCF-style: chr3-50191765-G-C. GRCh37 (hg19) VCF-style: chr3-50229198-G-C.
Other names: c.40G>C, p.Glu14Gln (NM_000172.4); short protein forms E14Q.
Identifiers: ClinVar variation 4741065 (VCV004741065.1).